The following is an entry in ClinVar:

NM_024334.3(TMEM43):c.1015_1016dup (p.Arg341fs)

Gene: TMEM43 (transmembrane protein 43; plus strand). Cytogenetic location: 3p25.1.
Variant type: Duplication.
Coding change: c.1015_1016dup on transcript NM_024334.3 (MANE Select); coding-DNA positions 1015 to 1016, 2 bases duplicated (GT; older notation c.1015_1016dupGT).
Protein change: p.Arg341fs; shifts the reading frame from arginine 341.
Molecular consequence: frameshift variant.
Genome position (GRCh38, 1-based): chr3:14,141,607-14,141,608, GT duplicated; duplicating any 2 consecutive bases within chr3:14,141,606-14,141,608 gives the same sequence; the c. name uses the placement nearest the transcript's 3' end. VCF-style (leftmost placement, unchanged base first): chr3-14141605-C-CTG. GRCh37 (hg19) VCF-style: chr3-14183105-C-CTG.
Other names: short protein forms R341fs.
Identifiers: ClinVar variation 921010 (VCV000921010.3), dbSNP rs1695246708, ClinGen allele CA913188067.

ClinVar aggregate classification (germline): Uncertain significance (1 of 4 stars; one submission).

Conditions:
Cardiomyopathy (CMYO). Also called: Cardiomyopathies. Identifiers: Orphanet 167848, MedGen C0878544, MONDO:0004994, HP:0001638. Inheritance: Various modes of inheritance.

Submission:

Color Diagnostics, LLC DBA Color Health
Classification: Uncertain significance for Cardiomyopathy. Last evaluated: 2018-12-04. Review status: criteria provided, single submitter. Criteria: ACMG Guidelines, 2015. Collection method: clinical testing. Allele origin: germline.
Comment: Variant of Uncertain Significance due to insufficient evidence: This variant inserts 2 nucleotides in exon 12 of the TMEM43 gene, creating a frameshift and premature translation stop signal. This variant is expected to result in an absent or non-functional protein product. To our knowledge, functional assays have not been performed for this variant nor has this variant been reported in individuals affected with cardiovascular disorders in the literature. This variant is rare in the general population and has been identified in 0/277264 chromosomes by the Genome Aggregation Database (gnomAD). The role of TMEM43 truncation variants in cardiomyopathy is not clearly established. Available evidence is insufficient to determine the pathogenicity of this variant conclusively.